The following is an entry in ClinVar:

NM_000321.3(RB1):c.2106+5_2106+7del

Gene: RB1 (RB transcriptional corepressor 1; plus strand). Cytogenetic location: 13q14.2.
Variant type: Deletion.
Coding change: c.2106+5_2106+7del on transcript NM_000321.3 (MANE Select); bases 5 to 7 of the intron after coding-DNA position 2106, 3 bases deleted (GAA; older notation c.2106+5_2106+7delGAA).
Molecular consequence: intron variant.
Genome position (GRCh38, 1-based): chr13:48,459,838-48,459,840, GAA deleted; deleting any 3 consecutive bases within chr13:48,459,836-48,459,840 gives the same sequence; the c. name uses the placement nearest the transcript's 3' end. VCF-style (leftmost placement, unchanged base first): chr13-48459835-TAAG-T. GRCh37 (hg19) VCF-style: chr13-49033971-TAAG-T.
Other names: c.2106+5_2106+7del (NM_001407165.1).
Identifiers: ClinVar variation 4809581 (VCV004809581.1).

ClinVar aggregate classification (germline): Uncertain significance (1 of 4 stars; one submission).

Conditions:
Retinoblastoma (RB1). Also called: RETINOBLASTOMA, SOMATIC. Identifiers: Orphanet 790, MedGen C0035335, MeSH D012175, MONDO:0008380, OMIM 180200, HP:0009919. Disease mechanism: loss of function. Inheritance: Both sporadic and heritable forms are tested..

Submission:

Labcorp Genetics (formerly Invitae), Labcorp
Classification: Uncertain significance for Retinoblastoma. Last evaluated: 2025-03-24. Review status: criteria provided, single submitter. Criteria: Invitae Variant Classification Sherloc (09022015). Collection method: clinical testing. Allele origin: germline.
Comment: This sequence change falls in intron 20 of the RB1 gene. It does not directly change the encoded amino acid sequence of the RB1 protein. It affects a nucleotide within the consensus splice site. This variant is not present in population databases (gnomAD no frequency). This variant has not been reported in the literature in individuals affected with RB1-related conditions. Variants that disrupt the consensus splice site are a relatively common cause of aberrant splicing (PMID: 17576681, 9536098). Algorithms developed to predict the effect of sequence changes on RNA splicing suggest that this variant may disrupt the consensus splice site. In summary, the available evidence is currently insufficient to determine the role of this variant in disease. Therefore, it has been classified as a Variant of Uncertain Significance.

Literature cited by the submitters: PubMed 17576681; PubMed 9536098.